The following is an entry in ClinVar:

ClinVar aggregate classification (germline): Uncertain significance (1 of 4 stars; one submission).

Conditions:
Familial hypobetalipoproteinemia 1. Also called: APOB-Related Familial Hypobetalipoproteinemia; Hypobetalipoproteinemia, normotriglyceridemic; Acanthocytosis with hypobetalipoproteinemia. Identifiers: MedGen C4551990, MONDO:0014252, OMIM 615558.
Hypercholesterolemia, autosomal dominant, type B (FHCL2). Also called: APOB-Related Familial Hypercholesterolemia, Autosomal Dominant; Familial hypercholesterolemia 2; Familial Hypercholesterolemia Type B; APOLIPOPROTEIN B-100, FAMILIAL DEFECTIVE; APOLIPOPROTEIN B-100, FAMILIAL LIGAND-DEFECTIVE; HYPERCHOLESTEROLEMIA, FAMILIAL, DUE TO LIGAND-DEFECTIVE APOLIPOPROTEIN B. Identifiers: MedGen C1704417, MONDO:0007751, OMIM 144010.

Submission:

Labcorp Genetics (formerly Invitae), Labcorp
Classification: Uncertain significance for Familial hypobetalipoproteinemia 1; Hypercholesterolemia, autosomal dominant, type B. Last evaluated: 2025-07-01. Review status: criteria provided, single submitter. Criteria: Invitae Variant Classification Sherloc (09022015). Collection method: clinical testing. Allele origin: germline.
Comment: This sequence change replaces asparagine, which is neutral and polar, with serine, which is neutral and polar, at codon 4549 of the APOB protein (p.Asn4549Ser). This variant is not present in population databases (gnomAD no frequency). This variant has not been reported in the literature in individuals affected with APOB-related conditions. Invitae Evidence Modeling of protein sequence and biophysical properties (such as structural, functional, and spatial information, amino acid conservation, physicochemical variation, residue mobility, and thermodynamic stability) indicates that this missense variant is not expected to disrupt APOB protein function with a negative predictive value of 95%. In summary, the available evidence is currently insufficient to determine the role of this variant in disease. Therefore, it has been classified as a Variant of Uncertain Significance.

NM_000384.3(APOB):c.13646A>G (p.Asn4549Ser)

Genes: APOB (apolipoprotein B; minus strand), APOB3'MAR (APOB 3' scaffold/matrix attachment region; plus strand). Cytogenetic location: 2p24.1.
Variant type: single nucleotide variant.
Coding change: c.13646A>G on transcript NM_000384.3 (MANE Select); coding-DNA position 13646, A replaced by G.
Protein change: p.Asn4549Ser; replaces asparagine 4549 with serine.
Molecular consequence: missense variant.
Genome position (GRCh38, 1-based): chr2:21,001,776, T>C on the plus strand (A>G on the coding strand, the complement: APOB is on the minus strand). VCF-style: chr2-21001776-T-C. GRCh37 (hg19) VCF-style: chr2-21224648-T-C.
Other names: short protein forms N4549S.
Identifiers: ClinVar variation 4789277 (VCV004789277.1).